The following is an entry in ClinVar:

NM_031466.8(TRAPPC9):c.-11+10G>A

Gene: TRAPPC9 (trafficking protein particle complex subunit 9; minus strand). Cytogenetic location: 8q24.3.
Variant type: single nucleotide variant.
Coding change: c.-11+10G>A on transcript NM_031466.8; 10 bases into the intron after 11 bases upstream of the start codon, G replaced by A.
Molecular consequence: intron variant.
Genome position (GRCh38, 1-based): chr8:140,458,271, C>T on the plus strand (G>A on the coding strand, the complement: TRAPPC9 is on the minus strand). VCF-style: chr8-140458271-C-T. GRCh37 (hg19) VCF-style: chr8-141468370-C-T.
Identifiers: ClinVar variation 130628 (VCV000130628.23), dbSNP rs117206975, ClinGen allele CA155774.

ClinVar aggregate classification (germline): Benign/Likely benign. Review status: criteria provided, multiple submitters, no conflicts (2 of 4 stars). 5 submissions from 5 submitters: Benign (2); Likely benign (2). 1 of the submissions does not count toward it. Last evaluated 2026-02-03.

Conditions:
Intellectual developmental disorder, autosomal recessive 13. Also called: Intellectual disability, autosomal recessive 13. Identifiers: Orphanet 88616, MedGen C2750791, MONDO:0013173, OMIM 613192.

Allele frequency attached by ClinVar (database versions not stated): gnomAD exomes 0.00899 and 0.01552; gnomAD 0.01034 and 0.01054; 1000 Genomes Project 0.00419; TOPMed 0.00904; ExAC 0.00969; ESP Exome Variant Server 0.01091.
gnomAD v4.1: 23,130 of 1,552,694 alleles (1.5%); highest among the groups gnomAD compares: Non-Finnish European, 1.8%; 217 homozygotes.

Submissions (5):

Labcorp Genetics (formerly Invitae), Labcorp
Classification: Benign. Last evaluated: 2026-02-03. Review status: criteria provided, single submitter. Criteria: Invitae Variant Classification Sherloc (09022015). Collection method: clinical testing. Allele origin: germline.

GeneDx
Classification: Likely benign. Last evaluated: 2018-07-14. Review status: criteria provided, single submitter. Criteria: GeneDx Variant Classification Process June 2021. Collection method: clinical testing. Allele origin: germline. Affected: yes.

Illumina Laboratory Services, Illumina
Classification: Benign for Intellectual developmental disorder, autosomal recessive 13. Last evaluated: 2018-01-13. Review status: criteria provided, single submitter. Criteria: ICSL Variant Classification Criteria 13 December 2019. Collection method: clinical testing. Allele origin: germline.
Comment: This variant was observed in the ICSL laboratory as part of a predisposition screen in an ostensibly healthy population. It had not been previously curated by ICSL or reported in the Human Gene Mutation Database (HGMD: prior to June 1st, 2018), and was therefore a candidate for classification through an automated scoring system. Utilizing variant allele frequency, disease prevalence and penetrance estimates, and inheritance mode, an automated score was calculated to assess if this variant is too frequent to cause the disease. Based on the score and internal cut-off values, a variant classified as benign is not then subjected to further curation. The score for this variant resulted in a classification of benign for this disease.

Breakthrough Genomics
Classification: Likely benign. Review status: criteria provided, single submitter. Criteria: ACMG Guidelines, 2015. Collection method: not provided. Allele origin: germline. Inheritance: Autosomal recessive inheritance. Affected: yes.

Genetic Services Laboratory, University of Chicago
Classification: Likely benign for AllHighlyPenetrant. Review status: no assertion criteria provided. Collection method: clinical testing. Allele origin: germline. Inheritance: Autosomal recessive inheritance. Not counted in ClinVar's aggregate classification.
Comment: Likely benign based on allele frequency in 1000 Genomes Project or ESP global frequency and its presence in a patient with a rare or unrelated disease phenotype. NOT Sanger confirmed.